The following is an entry in ClinVar:

ClinVar aggregate classification (germline): Uncertain significance (1 of 4 stars; one submission).

Conditions:
Muscular dystrophy-dystroglycanopathy (congenital with impaired intellectual development), type B, 1. Also called: Muscular dystrophy-dystroglycanopathy (congenital with intellectual disability), type B1; MUSCULAR DYSTROPHY, CONGENITAL, POMT1-RELATED. Identifiers: MedGen C5436962, MONDO:0013159, OMIM 613155.
Walker-Warburg congenital muscular dystrophy. Also called: Muscular dystrophy-dystroglycanopathy, type A; Walker-Warburg syndrome. Identifiers: Orphanet 899, MedGen C0265221, MONDO:0000171.
Autosomal recessive limb-girdle muscular dystrophy type 2K. Also called: MUSCULAR DYSTROPHY-DYSTROGLYCANOPATHY (LIMB-GIRDLE), TYPE C, 1; MUSCULAR DYSTROPHY, LIMB-GIRDLE, TYPE 2K. Identifiers: Orphanet 86812, MedGen C1836373, MONDO:0012248, OMIM 609308.

Submission:

Labcorp Genetics (formerly Invitae), Labcorp
Classification: Uncertain significance for Muscular dystrophy-dystroglycanopathy (congenital with impaired intellectual development), type B, 1; Walker-Warburg congenital muscular dystrophy; Autosomal recessive limb-girdle muscular dystrophy type 2K. Last evaluated: 2022-06-14. Review status: criteria provided, single submitter. Criteria: Invitae Variant Classification Sherloc (09022015). Collection method: clinical testing. Allele origin: germline.
Comment: In summary, the available evidence is currently insufficient to determine the role of this variant in disease. Therefore, it has been classified as a Variant of Uncertain Significance. Algorithms developed to predict the effect of missense changes on protein structure and function are either unavailable or do not agree on the potential impact of this missense change (SIFT: "Deleterious"; PolyPhen-2: "Probably Damaging"; Align-GVGD: "Class C0"). This missense change has been observed in individual(s) with Walker-Warburg syndrome (PMID: 18752264). This variant is not present in population databases (gnomAD no frequency). This sequence change replaces cysteine, which is neutral and slightly polar, with tyrosine, which is neutral and polar, at codon 366 of the POMT1 protein (p.Cys366Tyr).

Literature cited by the submitters: PubMed 18752264.

NM_001077365.2(POMT1):c.1031G>A (p.Cys344Tyr)

Gene: POMT1 (protein O-mannosyltransferase 1; plus strand). Cytogenetic location: 9q34.13.
Variant type: single nucleotide variant.
Coding change: c.1031G>A on transcript NM_001077365.2 (MANE Select); coding-DNA position 1031, G replaced by A.
Protein change: p.Cys344Tyr; replaces cysteine 344 with tyrosine.
Molecular consequence: missense variant. On other transcripts: non-coding transcript variant (10), intron variant (1).
Genome position (GRCh38, 1-based): chr9:131,512,085, G>A. VCF-style: chr9-131512085-G-A. GRCh37 (hg19) VCF-style: chr9-134387472-G-A.
Other names: c.869G>A, p.Cys290Tyr (NM_001077366.2, NM_001353194.2); c.1031G>A, p.Cys344Tyr (NM_001136113.2, NM_001374690.1); c.680G>A, p.Cys227Tyr (NM_001136114.2, NM_001353195.2, NM_001374691.1 and 1 more transcripts); c.1097G>A, p.Cys366Tyr (NM_001353193.2, NM_007171.4); c.941G>A, p.Cys314Tyr (NM_001353196.2); c.935G>A, p.Cys312Tyr (NM_001353197.2, NM_001353198.2); c.746G>A, p.Cys249Tyr (NM_001353199.2); c.575G>A, p.Cys192Tyr (NM_001353200.2); and 4 more; short protein forms C290Y, C312Y, C340Y, C366Y, C192Y, C344Y, C214Y, C227Y.
Identifiers: ClinVar variation 2136825 (VCV002136825.4), dbSNP rs2539194112, ClinGen allele CA375308839.